The following is an entry in ClinVar:

NM_004706.4(ARHGEF1):c.2401G>T (p.Asp801Tyr)

Gene: ARHGEF1 (Rho guanine nucleotide exchange factor 1; plus strand). Cytogenetic location: 19q13.2.
Variant type: single nucleotide variant.
Coding change: c.2401G>T on transcript NM_004706.4 (MANE Select); coding-DNA position 2401, G replaced by T.
Protein change: p.Asp801Tyr; replaces aspartic acid 801 with tyrosine.
Molecular consequence: missense variant. On other transcripts: non-coding transcript variant (2).
Genome position (GRCh38, 1-based): chr19:41,905,824, G>T. VCF-style: chr19-41905824-G-T. GRCh37 (hg19) VCF-style: chr19-42409976-G-T.
Other names: c.2569G>T, p.Asp857Tyr (NM_001396000.1); c.2302G>T, p.Asp768Tyr (NM_001396002.1, NM_001396004.1, NM_198977.2); c.2401G>T, p.Asp801Tyr (NM_001396003.1, NM_001396006.1); c.2446G>T, p.Asp816Tyr (NM_199002.2); short protein forms D816Y, D801Y, D768Y, D857Y.
Identifiers: ClinVar variation 2983520 (VCV002983520.3), dbSNP rs1278450308, ClinGen allele CA406068109.
Genomic context (GRCh38, chr19:41,905,824, plus strand): 5'-CGAGAACCCCTCCTCAGCAGCTCTGAGAACGGCAATGGTGGCCGAGAGACGTCTCCAGCT[G>T]ATGGTGAGACCAGAGGGATGCTGGGTGAGGGGCCAGGTTGGGGCTGCCGGGTGAAGAGAG-3'
Protein context (NP_004697.2, residues 791-811): GNGGRETSPA[Asp801Tyr]ARTERILSDL

ClinVar aggregate classification (germline): Uncertain significance (1 of 4 stars; one submission).

gnomAD v4.1: 2 of 1,614,062 alleles (0.00012%); highest among the groups gnomAD compares: Non-Finnish European, 0.000085%; no homozygotes.

Submission:

Labcorp Genetics (formerly Invitae), Labcorp
Classification: Uncertain significance. Last evaluated: 2025-11-03. Review status: criteria provided, single submitter. Criteria: Invitae Variant Classification Sherloc (09022015). Collection method: clinical testing. Allele origin: germline.
Comment: This sequence change replaces aspartic acid, which is acidic and polar, with tyrosine, which is neutral and polar, at codon 816 of the ARHGEF1 protein (p.Asp816Tyr). This variant is not present in population databases (gnomAD no frequency). This variant has not been reported in the literature in individuals affected with ARHGEF1-related conditions. ClinVar contains an entry for this variant (Variation ID: 2983520). An algorithm developed to predict the effect of missense changes on protein structure and function (PolyPhen-2) suggests that this variant is likely to be disruptive. In summary, the available evidence is currently insufficient to determine the role of this variant in disease. Therefore, it has been classified as a Variant of Uncertain Significance.